The following is an entry in ClinVar:

ClinVar aggregate classification (germline): Uncertain significance. Review status: criteria provided, multiple submitters, no conflicts (2 of 4 stars). 6 submissions from 6 submitters: Uncertain significance (6). Last evaluated 2025-12-01.

Conditions:
Hereditary cancer-predisposing syndrome. Also called: Neoplastic Syndromes, Hereditary; Tumor predisposition; Hereditary Cancer Syndrome; Hereditary neoplastic syndrome. Identifiers: Orphanet 140162, MedGen C0027672, MeSH D009386, MONDO:0015356.
Familial adenomatous polyposis 1 (FAP1). Also called: FAMILIAL ADENOMATOUS POLYPOSIS 1, ATTENUATED; POLYPOSIS, ADENOMATOUS INTESTINAL. Identifiers: MedGen C2713442, MONDO:0021056, OMIM 175100. Disease mechanism: loss of function.

Allele frequency attached by ClinVar (database versions not stated): gnomAD exomes below 0.00001; TOPMed 0.00001.
gnomAD v4.1: 1 of 1,614,188 alleles (0.000062%); highest among the groups gnomAD compares: Non-Finnish European, 0.000085%; no homozygotes.

Submissions (6):

Ambry Genetics
Classification: Uncertain significance for Hereditary cancer-predisposing syndrome. Last evaluated: 2025-12-01. Review status: criteria provided, single submitter. Criteria: Ambry Variant Classification Scheme 2023. Collection method: clinical testing. Allele origin: germline.
Comment: The p.R120G variant (also known as c.358A>G), located in coding exon 3 of the APC gene, results from an A to G substitution at nucleotide position 358. The arginine at codon 120 is replaced by glycine, an amino acid with dissimilar properties. This amino acid position is highly conserved in available vertebrate species. In addition, in silico predictors for this gene do not accurately predict pathogenicity. Since supporting evidence is limited at this time, the clinical significance of this alteration remains unclear.

Labcorp Genetics (formerly Invitae), Labcorp
Classification: Uncertain significance for Familial adenomatous polyposis 1. Last evaluated: 2025-01-30. Review status: criteria provided, single submitter. Criteria: Invitae Variant Classification Sherloc (09022015). Collection method: clinical testing. Allele origin: germline.
Comment: This sequence change replaces arginine, which is basic and polar, with glycine, which is neutral and non-polar, at codon 120 of the APC protein (p.Arg120Gly). This variant is not present in population databases (gnomAD no frequency). This variant has not been reported in the literature in individuals affected with APC-related conditions. ClinVar contains an entry for this variant (Variation ID: 482279). Invitae Evidence Modeling of protein sequence and biophysical properties (such as structural, functional, and spatial information, amino acid conservation, physicochemical variation, residue mobility, and thermodynamic stability) indicates that this missense variant is not expected to disrupt APC protein function with a negative predictive value of 95%. In summary, the available evidence is currently insufficient to determine the role of this variant in disease. Therefore, it has been classified as a Variant of Uncertain Significance.

Color Diagnostics, LLC DBA Color Health
Classification: Uncertain significance for Hereditary cancer-predisposing syndrome. Last evaluated: 2024-03-06. Review status: criteria provided, single submitter. Criteria: ACMG Guidelines, 2015. Collection method: clinical testing. Allele origin: germline.
Comment: This missense variant replaces arginine with glycine at codon 120 of the APC protein. Computational prediction is inconclusive regarding the impact of this variant on protein structure and function (internally defined REVEL score threshold 0.5 < inconclusive < 0.7, PMID: 27666373). Splice site prediction tools suggest that this variant may not impact RNA splicing. To our knowledge, functional studies have not been performed for this variant. This variant has not been reported in individuals affected with hereditary cancer in the literature. This variant has not been identified in the general population by the Genome Aggregation Database (gnomAD). The available evidence is insufficient to determine the role of this variant in disease conclusively. Therefore, this variant is classified as a Variant of Uncertain Significance.

GeneDx
Classification: Uncertain significance. Last evaluated: 2019-11-26. Review status: criteria provided, single submitter. Criteria: GeneDx Variant Classification Process June 2021. Collection method: clinical testing. Allele origin: germline. Affected: yes.
Comment: Not observed in large population cohorts (Lek 2016); While protein-based in silico analysis supports that this variant does not alter protein structure/function, splice predictors suggest this variant may impact gene splicing. In the absence of RNA or functional studies, the actual effect of this sequence change is unknown.; Has not been previously published as pathogenic or benign to our knowledge

Women's Health and Genetics/Laboratory Corporation of America, LabCorp
Classification: Uncertain significance. Last evaluated: 2019-10-04. Review status: criteria provided, single submitter. Criteria: LabCorp Variant Classification Summary - May 2015. Collection method: clinical testing. Allele origin: germline.
Comment: Variant summary: APC c.358A>G (p.Arg120Gly) results in a non-conservative amino acid change in the encoded protein sequence. Five of five in-silico tools predict a damaging effect of the variant on protein function. The variant was absent in 251470 control chromosomes. The available data on variant occurrences in the general population are insufficient to allow any conclusion about variant significance. To our knowledge, no occurrence of c.358A>G in individuals affected with Familial Adenomatous Polyposis and no experimental evidence demonstrating its impact on protein function have been reported. Three clinical diagnostic laboratories have submitted clinical-significance assessments for this variant to ClinVar after 2014 without evidence for independent evaluation. All laboratories classified the variant as uncertain significance. Based on the evidence outlined above, the variant was classified as uncertain significance.

PreventionGenetics, part of Exact Sciences
Classification: Uncertain significance. Last evaluated: 2017-06-27. Review status: criteria provided, single submitter. Criteria: ACMG Guidelines, 2015. Collection method: clinical testing. Allele origin: germline.

NM_000038.6(APC):c.358A>G (p.Arg120Gly)

Gene: APC (APC regulator of Wnt signaling pathway; plus strand). Cytogenetic location: 5q22.2.
Variant type: single nucleotide variant.
Coding change: c.358A>G on transcript NM_000038.6 (MANE Select); coding-DNA position 358, A replaced by G.
Protein change: p.Arg120Gly; replaces arginine 120 with glycine.
Molecular consequence: missense variant. On other transcripts: 5 prime UTR variant (1).
Genome position (GRCh38, 1-based): chr5:112,767,326, A>G. VCF-style: chr5-112767326-A-G. GRCh37 (hg19) VCF-style: chr5-112103023-A-G.
Other names: c.358A>G, p.Arg120Gly (NM_001127510.3, NM_001354895.2, NM_001354896.2 and 2 more transcripts); c.388A>G, p.Arg130Gly (NM_001127511.3, NM_001354897.2, NM_001354902.2); c.283A>G, p.Arg95Gly (NM_001354898.2, NM_001354904.2); c.181A>G, p.Arg61Gly (NM_001354900.2, NM_001354901.2, NM_001354905.2); c.-678A>G (NM_001354906.2); short protein forms R130G, R120G, R95G, R61G.
Identifiers: ClinVar variation 482279 (VCV000482279.24), dbSNP rs876659470, ClinGen allele CA16022103.